The following is an entry in ClinVar:

ClinVar aggregate classification (germline): Uncertain significance (1 of 4 stars; one submission).

Submission:

CeGaT Center for Human Genetics Tuebingen
Classification: Uncertain significance. Last evaluated: 2022-03-01. Review status: criteria provided, single submitter. Criteria: CeGaT Center For Human Genetics Tuebingen Variant Classification Criteria Version 2. Collection method: clinical testing. Allele origin: germline. Affected: yes. Observed: 1 variant allele.
Comment: HNRNPU: PP2

NM_031844.3(HNRNPU):c.1827A>C (p.Lys609Asn)

Gene: HNRNPU (heterogeneous nuclear ribonucleoprotein U; minus strand). Cytogenetic location: 1q44.
Variant type: single nucleotide variant.
Coding change: c.1827A>C on transcript NM_031844.3 (MANE Select); coding-DNA position 1827, A replaced by C.
Protein change: p.Lys609Asn; replaces lysine 609 with asparagine.
Molecular consequence: missense variant.
Genome position (GRCh38, 1-based): chr1:244,856,542, T>G on the plus strand (A>C on the coding strand, the complement: HNRNPU is on the minus strand). VCF-style: chr1-244856542-T-G. GRCh37 (hg19) VCF-style: chr1-245019844-T-G.
Other names: c.1770A>C, p.Lys590Asn (NM_004501.3); short protein forms K590N, K609N.
Identifiers: ClinVar variation 2640224 (VCV002640224.24), dbSNP rs1313822619, ClinGen allele CA345489154.